The following is an entry in ClinVar:

NM_003742.4(ABCB11):c.*440G>A

Gene: ABCB11 (ATP binding cassette subfamily B member 11; minus strand). Cytogenetic location: 2q31.1.
Variant type: single nucleotide variant.
Coding change: c.*440G>A on transcript NM_003742.4 (MANE Select); 440 bases downstream of the stop codon, G replaced by A.
Molecular consequence: 3 prime UTR variant.
Genome position (GRCh38, 1-based): chr2:168,923,182, C>T on the plus strand (G>A on the coding strand, the complement: ABCB11 is on the minus strand). VCF-style: chr2-168923182-C-T. GRCh37 (hg19) VCF-style: chr2-169779692-C-T.
Other names: c.*440G>A (LRG_1199t1).
Identifiers: ClinVar variation 332012 (VCV000332012.5), dbSNP rs79130028, ClinGen allele CA10611253.
Genomic context (GRCh38, chr2:168,923,182, plus strand): 5'-CACAGCTGGTCTTCAGTCCTTCTGTTCTTTTCAAATCTGACCTTGGTCTAGCTCAAGAAA[C>T]GTTTGTTGATTGCCTGTTATAGACCCGCCTCTGTGTACACCGAGGGTTCAAAAATGAAAG-3'

ClinVar aggregate classification (germline): Likely benign (1 of 4 stars; one submission).

Conditions:
Progressive familial intrahepatic cholestasis type 2. Identifiers: Orphanet 79304, MedGen C3489789, MONDO:0011156, OMIM 601847.

Allele frequency attached by ClinVar (database versions not stated): 1000 Genomes Project 30x 0.00078; 1000 Genomes Project 0.00080; gnomAD 0.00112 and 0.00118; TOPMed 0.00133.

Submission:

Illumina Laboratory Services, Illumina
Classification: Likely benign for Progressive familial intrahepatic cholestasis type 2. Last evaluated: 2018-01-13. Review status: criteria provided, single submitter. Criteria: ICSL Variant Classification Criteria 13 December 2019. Collection method: clinical testing. Allele origin: germline.
Comment: This variant was observed in the ICSL laboratory as part of a predisposition screen in an ostensibly healthy population. It had not been previously curated by ICSL or reported in the Human Gene Mutation Database (HGMD: prior to June 1st, 2018), and was therefore a candidate for classification through an automated scoring system. Utilizing variant allele frequency, disease prevalence and penetrance estimates, and inheritance mode, an automated score was calculated to assess if this variant is too frequent to cause the disease. Based on the score and internal cut-off values, a variant classified as likely benign is not then subjected to further curation. The score for this variant resulted in a classification of likely benign for this disease.